The following is an entry in ClinVar:

NM_005560.6(LAMA5):c.3375C>T (p.Gly1125=)

Gene: LAMA5 (laminin subunit alpha 5; minus strand). Cytogenetic location: 20q13.33.
Variant type: single nucleotide variant.
Coding change: c.3375C>T on transcript NM_005560.6 (MANE Select); coding-DNA position 3375, C replaced by T.
Protein change: p.Gly1125=; no amino-acid change (glycine 1125 retained).
Molecular consequence: synonymous variant.
Genome position (GRCh38, 1-based): chr20:62,332,625, G>A on the plus strand (C>T on the coding strand, the complement: LAMA5 is on the minus strand). VCF-style: chr20-62332625-G-A. GRCh37 (hg19) VCF-style: chr20-60907681-G-A.
Identifiers: ClinVar variation 3626022 (VCV003626022.2).

ClinVar aggregate classification (germline): Uncertain significance (1 of 4 stars; one submission).

gnomAD v4.1: 110 of 1,605,826 alleles (0.0069%); highest among the groups gnomAD compares: Non-Finnish European, 0.0089%; no homozygotes.

Submission:

Labcorp Genetics (formerly Invitae), Labcorp
Classification: Uncertain significance. Last evaluated: 2025-06-12. Review status: criteria provided, single submitter. Criteria: Invitae Variant Classification Sherloc (09022015). Collection method: clinical testing. Allele origin: germline.
Comment: This sequence change affects codon 1125 of the LAMA5 mRNA. It is a 'silent' change, meaning that it does not change the encoded amino acid sequence of the LAMA5 protein. This variant is present in population databases (rs367865462, gnomAD 0.02%). This variant has not been reported in the literature in individuals affected with LAMA5-related conditions. ClinVar contains an entry for this variant (Variation ID: 3626022). Algorithms developed to predict the effect of sequence changes on RNA splicing suggest that this variant may create or strengthen a splice site. In summary, the available evidence is currently insufficient to determine the role of this variant in disease. Therefore, it has been classified as a Variant of Uncertain Significance.